The following is an entry in ClinVar:

ClinVar aggregate classification (germline): Uncertain significance (1 of 4 stars; one submission).

Allele frequency attached by ClinVar (database versions not stated): gnomAD 0.00001.
gnomAD v4.1: 11 of 1,613,848 alleles (0.00068%); highest among the groups gnomAD compares: South Asian, 0.0044%; no homozygotes.

Submission:

Labcorp Genetics (formerly Invitae), Labcorp
Classification: Uncertain significance. Last evaluated: 2022-06-20. Review status: criteria provided, single submitter. Criteria: Invitae Variant Classification Sherloc (09022015). Collection method: clinical testing. Allele origin: germline.
Comment: In summary, the available evidence is currently insufficient to determine the role of this variant in disease. Therefore, it has been classified as a Variant of Uncertain Significance. Algorithms developed to predict the effect of missense changes on protein structure and function are either unavailable or do not agree on the potential impact of this missense change (SIFT: "Tolerated"; PolyPhen-2: "Possibly Damaging"; Align-GVGD: "Class C0"). This variant has not been reported in the literature in individuals affected with P4HB-related conditions. This variant is present in population databases (no rsID available, gnomAD 0.006%). This sequence change replaces arginine, which is basic and polar, with leucine, which is neutral and non-polar, at codon 132 of the P4HB protein (p.Arg132Leu).

NM_000918.4(P4HB):c.395G>T (p.Arg132Leu)

Gene: P4HB (prolyl 4-hydroxylase subunit beta; minus strand). Cytogenetic location: 17q25.3.
Variant type: single nucleotide variant.
Coding change: c.395G>T on transcript NM_000918.4 (MANE Select); coding-DNA position 395, G replaced by T.
Protein change: p.Arg132Leu; replaces arginine 132 with leucine.
Molecular consequence: missense variant.
Genome position (GRCh38, 1-based): chr17:81,855,544, C>A on the plus strand (G>T on the coding strand, the complement: P4HB is on the minus strand). VCF-style: chr17-81855544-C-A. GRCh37 (hg19) VCF-style: chr17-79813420-C-A.
Other names: short protein forms R132L.
Identifiers: ClinVar variation 1520113 (VCV001520113.6), dbSNP rs758374436, ClinGen allele CA401516072.